The following is an entry in ClinVar:

NM_003239.5(TGFB3):c.986G>C (p.Gly329Ala)

Gene: TGFB3 (transforming growth factor beta 3; minus strand). Cytogenetic location: 14q24.3.
Variant type: single nucleotide variant.
Coding change: c.986G>C on transcript NM_003239.5 (MANE Select); coding-DNA position 986, G replaced by C.
Protein change: p.Gly329Ala; replaces glycine 329 with alanine.
Molecular consequence: missense variant.
Genome position (GRCh38, 1-based): chr14:75,961,017, C>G on the plus strand (G>C on the coding strand, the complement: TGFB3 is on the minus strand). VCF-style: chr14-75961017-C-G. GRCh37 (hg19) VCF-style: chr14-76427360-C-G.
Other names: c.986G>C, p.Gly329Ala (NM_001329939.2); short protein forms G329A.
Identifiers: ClinVar variation 642661 (VCV000642661.9), dbSNP rs772698647, ClinGen allele CA390467977.
Genomic context (GRCh38, chr14:75,961,017, plus strand): 5'-GGGCAAGGGCCTGAGCAGAAGTTGGCATAGTAGCCCTTAGGTTCATGGACCCACTTCCAG[C>G]CCAGATCCTGTCGGAAGTCAATGTAGAGGGGGCGCACACAGCAGTTCTCCTCCAAGTTGC-3'
Protein context (NP_003230.1, residues 319-339): PLYIDFRQDL[Gly329Ala]WKWVHEPKGY

ClinVar aggregate classification (germline): Uncertain significance (1 of 4 stars; one submission).

Conditions:
Rienhoff syndrome. Also called: LOEYS-DIETZ SYNDROME 5. Identifiers: MedGen C3810012, MONDO:0014262, OMIM 615582.

Submission:

Labcorp Genetics (formerly Invitae), Labcorp
Classification: Uncertain significance for Rienhoff syndrome. Last evaluated: 2023-10-05. Review status: criteria provided, single submitter. Criteria: Invitae Variant Classification Sherloc (09022015). Collection method: clinical testing. Allele origin: germline.
Comment: This sequence change replaces glycine, which is neutral and non-polar, with alanine, which is neutral and non-polar, at codon 329 of the TGFB3 protein (p.Gly329Ala). This variant is not present in population databases (gnomAD no frequency). This variant has not been reported in the literature in individuals affected with TGFB3-related conditions. ClinVar contains an entry for this variant (Variation ID: 642661). Advanced modeling of protein sequence and biophysical properties (such as structural, functional, and spatial information, amino acid conservation, physicochemical variation, residue mobility, and thermodynamic stability) performed at Invitae indicates that this missense variant is not expected to disrupt TGFB3 protein function. In summary, the available evidence is currently insufficient to determine the role of this variant in disease. Therefore, it has been classified as a Variant of Uncertain Significance.